The following is an entry in ClinVar:

ClinVar aggregate classification (germline): Conflicting classifications of pathogenicity. Review status: criteria provided, conflicting classifications (1 of 4 stars). 7 submissions from 6 submitters: Uncertain significance (1); Benign (2); Likely benign (4). Last evaluated 2026-01-28.

Conditions:
Meckel-Gruber syndrome. Also called: Dysencephalia splachnocystica; DYSENCEPHALIA SPLANCHNOCYSTICA; GRUBER SYNDROME. Identifiers: Orphanet 564, MedGen C0265215, MONDO:0018921.
Joubert syndrome. Also called: JOUBERT-BOLTSHAUSER SYNDROME; Familial aplasia of the vermis. Identifiers: Orphanet 475, MedGen C5979921, MONDO:0018772.
Joubert syndrome 9 (JBTS9). Identifiers: Orphanet 2318, MedGen C2676788, MONDO:0012849, OMIM 612285.
Meckel syndrome, type 6. Identifiers: Orphanet 564, MedGen C2676790, MONDO:0012848, OMIM 612284.

Allele frequency attached by ClinVar (database versions not stated): gnomAD exomes 0.00010 and 0.00038; gnomAD 0.00014 and 0.00021; TOPMed 0.00023; ExAC 0.00054; 1000 Genomes Project 30x 0.00156; 1000 Genomes Project 0.00200.
gnomAD v4.1: 225 of 1,609,974 alleles (0.014%); highest among the groups gnomAD compares: East Asian, 0.25%; 1 homozygote.

Submissions (7):

Labcorp Genetics (formerly Invitae), Labcorp
Classification: Benign for Joubert syndrome; Meckel-Gruber syndrome. Last evaluated: 2026-01-28. Review status: criteria provided, single submitter. Criteria: Invitae Variant Classification Sherloc (09022015). Collection method: clinical testing. Allele origin: germline.

Mayo Clinic Laboratories, Mayo Clinic
Classification: Likely benign. Last evaluated: 2025-04-02. Review status: criteria provided, single submitter. Criteria: ACMG Guidelines, 2015. Collection method: clinical testing. Allele origin: germline. Observed: 2 variant alleles.
Comment: BP4, BP7

Blueprint Genetics
Classification: Likely benign. Last evaluated: 2024-10-24. Review status: criteria provided, single submitter. Criteria: ACMG Guidelines, 2015. Collection method: clinical testing. Allele origin: germline.

GeneDx
Classification: Likely benign. Last evaluated: 2019-07-01. Review status: criteria provided, single submitter. Criteria: GeneDx Variant Classification Process June 2021. Collection method: clinical testing. Allele origin: germline. Affected: yes.

Illumina Laboratory Services, Illumina
Classification: Likely benign for Joubert syndrome 9. Last evaluated: 2018-01-13. Review status: criteria provided, single submitter. Criteria: ICSL Variant Classification Criteria 13 December 2019. Collection method: clinical testing. Allele origin: germline.
Comment: This variant was observed in the ICSL laboratory as part of a predisposition screen in an ostensibly healthy population. It had not been previously curated by ICSL or reported in the Human Gene Mutation Database (HGMD: prior to June 1st, 2018), and was therefore a candidate for classification through an automated scoring system. Utilizing variant allele frequency, disease prevalence and penetrance estimates, and inheritance mode, an automated score was calculated to assess if this variant is too frequent to cause the disease. Based on the score and internal cut-off values, a variant classified as likely benign is not then subjected to further curation. The score for this variant resulted in a classification of likely benign for this disease.

Illumina Laboratory Services, Illumina
Classification: Uncertain significance for Meckel syndrome, type 6. Last evaluated: 2018-01-13. Review status: criteria provided, single submitter. Criteria: ICSL Variant Classification Criteria 13 December 2019. Collection method: clinical testing. Allele origin: germline.

Eurofins Ntd Llc (ga)
Classification: Benign. Last evaluated: 2016-12-27. Review status: criteria provided, single submitter. Criteria: EGL Classification Definitions 2015. Collection method: clinical testing. Allele origin: germline. Observed: 1 variant allele, 1 heterozygote.

NM_001378615.1(CC2D2A):c.1830G>A (p.Pro610=)

Genes: CC2D2A (coiled-coil and C2 domain containing 2A; plus strand), FBXL5 (F-box and leucine rich repeat protein 5; minus strand). Cytogenetic location: 4p15.32.
Variant type: single nucleotide variant.
Coding change: c.1830G>A on transcript NM_001378615.1 (MANE Select); coding-DNA position 1830, G replaced by A.
Protein change: p.Pro610=; no amino-acid change (proline 610 retained).
Molecular consequence: synonymous variant.
Genome position (GRCh38, 1-based): chr4:15,537,964, G>A. VCF-style: chr4-15537964-G-A. GRCh37 (hg19) VCF-style: chr4-15539587-G-A.
Other names: p.Pro610=; c.1830G>A, p.Pro610= (NM_001080522.2); c.1683G>A, p.Pro561= (NM_001378617.1).
Identifiers: ClinVar variation 498727 (VCV000498727.24), dbSNP rs185072004, ClinGen allele CA2863781.